The following is an entry in ClinVar:

NM_007294.4(BRCA1):c.5486A>T (p.Glu1829Val)

Gene: BRCA1 (BRCA1 DNA repair associated; minus strand). Cytogenetic location: 17q21.31.
Variant type: single nucleotide variant.
Coding change: c.5486A>T on transcript NM_007294.4 (MANE Select); coding-DNA position 5486, A replaced by T.
Protein change: p.Glu1829Val; replaces glutamic acid 1829 with valine.
Molecular consequence: missense variant. On other transcripts: stop lost (17), non-coding transcript variant (1).
Genome position (GRCh38, 1-based): chr17:43,045,784, T>A on the plus strand (A>T on the coding strand, the complement: BRCA1 is on the minus strand). VCF-style: chr17-43045784-T-A. GRCh37 (hg19) VCF-style: chr17-41197801-T-A.
Other names: *700C; c.5480A>T, p.Glu1827Val (NM_001407628.1, NM_001407629.1, NM_001407630.1 and 13 more transcripts); c.5429A>T, p.Glu1810Val (NM_001407648.1); c.5426A>T, p.Glu1809Val (NM_001407649.1); c.5408A>T, p.Glu1803Val (NM_001407652.1, NM_001407653.1, NM_001407654.1 and 1 more transcripts); c.5405A>T, p.Glu1802Val (NM_001407656.1, NM_001407657.1, NM_001407658.1); c.5402A>T, p.Glu1801Val (NM_001407659.1, NM_001407660.1, NM_001407661.1 and 2 more transcripts); c.5363A>T, p.Glu1788Val (NM_001407669.1, NM_001407664.1, NM_001407665.1 and 3 more transcripts); and 84 more; short protein forms E1782V, E1850V, E1829V, E725V, E1533V, E1717V, E1718V, E1740V.
Identifiers: ClinVar variation 868980 (VCV000868980.3), dbSNP rs2050884691, ClinGen allele CA10590331.

Conditions:
Breast-ovarian cancer, familial, susceptibility to, 1 (BROVCA1). Also called: BRCA1 Hereditary Breast and Ovarian Cancer; OVARIAN CANCER, SUSCEPTIBILITY TO. Identifiers: Orphanet 145, MedGen C2676676, MONDO:0011450, OMIM 604370. Disease mechanism: loss of function.

Submission:

Brotman Baty Institute, University of Washington
No classification provided (evidence only). Condition: Breast-ovarian cancer, familial 1. Review status: no classification provided. Collection method: in vitro. Allele origin: not applicable. Functional consequence: functionally_normal.
ClinVar note: "not provided" was previously submitted as the classification for the variant. However, the classification appeared to be based only on an observation of functional data so it was converted to no classification on 2025-07-30.